The following is an entry in ClinVar:

ClinVar aggregate classification (germline): Uncertain significance (1 of 4 stars; one submission).

Conditions:
Myofibrillar myopathy 4. Also called: Zaspopathy (type). Identifiers: Orphanet 98912, MedGen C4721886, MONDO:0012277, OMIM 609452.

Submission:

Labcorp Genetics (formerly Invitae), Labcorp
Classification: Uncertain significance for Myofibrillar myopathy 4. Last evaluated: 2023-07-24. Review status: criteria provided, single submitter. Criteria: Invitae Variant Classification Sherloc (09022015). Collection method: clinical testing. Allele origin: germline.
Comment: In summary, the available evidence is currently insufficient to determine the role of this variant in disease. Therefore, it has been classified as a Variant of Uncertain Significance. The LDB3 gene has multiple clinically relevant transcripts. This variant occurs in alternate transcript NM_007078.3, and corresponds to NM_001080116.1:c.*10533C>G in the primary transcript. This sequence change replaces proline, which is neutral and non-polar, with arginine, which is basic and polar, at codon 363 of the LDB3 protein (p.Pro363Arg). This variant is not present in population databases (gnomAD no frequency). This variant has not been reported in the literature in individuals affected with LDB3-related conditions. Experimental studies and prediction algorithms are not available or were not evaluated, and the functional significance of this variant is currently unknown.

NM_007078.3(LDB3):c.1088C>G (p.Pro363Arg)

Gene: LDB3 (LIM domain binding 3; plus strand). Cytogenetic location: 10q23.2.
Variant type: single nucleotide variant.
Coding change: c.1088C>G on transcript NM_007078.3 (MANE Select); coding-DNA position 1088, C replaced by G.
Protein change: p.Pro363Arg; replaces proline 363 with arginine.
Molecular consequence: missense variant.
Genome position (GRCh38, 1-based): chr10:86,709,907, C>G. VCF-style: chr10-86709907-C-G. GRCh37 (hg19) VCF-style: chr10-88469664-C-G.
Other names: c.758C>G, p.Pro253Arg (NM_001080114.2); c.1103C>G, p.Pro368Arg (NM_001171610.2); c.899C>G, p.Pro300Arg (NM_001368064.1, NM_001368065.1); c.947C>G, p.Pro316Arg (NM_001368066.1); short protein forms P253R, P300R, P368R, P363R, P316R.
Identifiers: ClinVar variation 2740277 (VCV002740277.3), dbSNP rs1846575717, ClinGen allele CA377448170.
Genomic context (GRCh38, chr10:86,709,907, plus strand): 5'-CTGCAGGCCCCAGTGGGGGCTGTCCTTCTGGGTGTAACCCCTCCCCGCTTGGTTCCAGGC[C>G]CCAGGCCTCTTCCTACAGCCCCGCAGTGGCCGCCTCTTCAGCACCTGCCACCCACACCAG-3'
Protein context (NP_009009.1, residues 353-373): PASSPADSPR[Pro363Arg]QASSYSPAVA